The following is an entry in ClinVar:

ClinVar aggregate classification (germline): Uncertain significance (1 of 4 stars; one submission).

Submission:

Women's Health and Genetics/Laboratory Corporation of America, LabCorp
Classification: Uncertain significance. Last evaluated: 2022-11-10. Review status: criteria provided, single submitter. Criteria: LabCorp Variant Classification Summary - May 2015. Collection method: clinical testing. Allele origin: germline.
Comment: Variant summary: NEFH c.459G>T (p.Met153Ile) results in a conservative amino acid change located in the Intermediate filament, rod domain (IPR039008) of the encoded protein sequence. Three of five in-silico tools predict a benign effect of the variant on protein function. The variant was absent in 102934 control chromosomes (gnomAD). The available data on variant occurrences in the general population are insufficient to allow any conclusion about variant significance. To our knowledge, no occurrence of c.459G>T in individuals affected with Charcot-Marie Tooth Disease, Axonal, Type 2CC and no experimental evidence demonstrating its impact on protein function have been reported. No clinical diagnostic laboratories have submitted clinical-significance assessments for this variant to ClinVar after 2014. Based on the evidence outlined above, the variant was classified as uncertain significance.

NM_021076.4(NEFH):c.459G>T (p.Met153Ile)

Gene: NEFH (neurofilament heavy chain; plus strand). Cytogenetic location: 22q12.2.
Variant type: single nucleotide variant.
Coding change: c.459G>T on transcript NM_021076.4 (MANE Select); coding-DNA position 459, G replaced by T.
Protein change: p.Met153Ile; replaces methionine 153 with isoleucine.
Molecular consequence: missense variant.
Genome position (GRCh38, 1-based): chr22:29,480,721, G>T. VCF-style: chr22-29480721-G-T. GRCh37 (hg19) VCF-style: chr22-29876710-G-T.
Other names: short protein forms M153I.
Identifiers: ClinVar variation 1804820 (VCV001804820.1), dbSNP rs2517968845, ClinGen allele CA411122900.